The following is an entry in ClinVar:

NM_000117.3(EMD):c.124G>A (p.Glu42Lys)

Gene: EMD (emerin; plus strand). Cytogenetic location: Xq28.
Variant type: single nucleotide variant.
Coding change: c.124G>A on transcript NM_000117.3 (MANE Select); coding-DNA position 124, G replaced by A.
Protein change: p.Glu42Lys; replaces glutamic acid 42 with lysine.
Molecular consequence: missense variant.
Genome position (GRCh38, 1-based): chrX:154,379,731, G>A. VCF-style: chrX-154379731-G-A. GRCh37 (hg19) VCF-style: chrX-153608091-G-A.
Other names: short protein forms E42K.
Identifiers: ClinVar variation 1314481 (VCV001314481.2), dbSNP rs1557182291, ClinGen allele CA415257439.

ClinVar aggregate classification (germline): Uncertain significance (1 of 4 stars; one submission).

Submission:

GeneDx
Classification: Uncertain significance. Last evaluated: 2021-04-06. Review status: criteria provided, single submitter. Criteria: GeneDx Variant Classification Process June 2021. Collection method: clinical testing. Allele origin: germline. Affected: yes.
Comment: Has not been previously published as pathogenic or benign to our knowledge; Not observed in large population cohorts (Lek et al., 2016); In silico analysis supports that this missense variant does not alter protein structure/function